The following is an entry in ClinVar:

ClinVar aggregate classification (germline): Uncertain significance. Review status: criteria provided, multiple submitters, no conflicts (2 of 4 stars). 2 submissions from 2 submitters: Uncertain significance (2). Last evaluated 2026-05-23.

Conditions:
Inborn genetic diseases. Identifiers: MedGen C0950123, MeSH D030342.
COL9A3-related disorder. Also called: COL9A3-related condition.

Allele frequency attached by ClinVar (database versions not stated): gnomAD exomes below 0.00001.
gnomAD v4.1: 3 of 1,612,338 alleles (0.00019%); highest among the groups gnomAD compares: South Asian, 0.0011%; no homozygotes.

Submissions (2):

PreventionGenetics, part of Exact Sciences
Classification: Uncertain significance for COL9A3-related condition. Last evaluated: 2026-05-23. Review status: criteria provided, single submitter. Criteria: ACMG Guidelines, 2015. Collection method: clinical testing. Allele origin: germline.
Comment: The COL9A3 c.1691C>T variant is predicted to result in the amino acid substitution p.Pro564Leu. To our knowledge, this variant has not been reported in the literature or in a large population database (gnomAD), indicating this variant is rare. At this time, the clinical significance of this variant is uncertain due to the absence of conclusive functional and genetic evidence.

Ambry Genetics
Classification: Uncertain significance for Inborn genetic diseases. Last evaluated: 2022-05-11. Review status: criteria provided, single submitter. Criteria: Ambry Variant Classification Scheme 2023. Collection method: clinical testing. Allele origin: germline.

NM_001853.4(COL9A3):c.1691C>T (p.Pro564Leu)

Gene: COL9A3 (collagen type IX alpha 3 chain; plus strand). Cytogenetic location: 20q13.33.
Variant type: single nucleotide variant.
Coding change: c.1691C>T on transcript NM_001853.4 (MANE Select); coding-DNA position 1691, C replaced by T.
Protein change: p.Pro564Leu; replaces proline 564 with leucine.
Molecular consequence: missense variant.
Genome position (GRCh38, 1-based): chr20:62,837,170, C>T. VCF-style: chr20-62837170-C-T. GRCh37 (hg19) VCF-style: chr20-61468522-C-T.
Other names: short protein forms P564L.
Identifiers: ClinVar variation 2228367 (VCV002228367.3), dbSNP rs2063643349, ClinGen allele CA409599326.